The following is an entry in ClinVar:

NM_001365276.2(TNXB):c.9037G>A (p.Gly3013Arg)

Gene: TNXB (tenascin XB; minus strand). Cytogenetic location: 6p21.33.
Variant type: single nucleotide variant.
Coding change: c.9037G>A on transcript NM_001365276.2 (MANE Select); coding-DNA position 9037, G replaced by A.
Protein change: p.Gly3013Arg; replaces glycine 3013 with arginine.
Molecular consequence: missense variant.
Genome position (GRCh38, 1-based): chr6:32,052,748, C>T on the plus strand (G>A on the coding strand, the complement: TNXB is on the minus strand). VCF-style: chr6-32052748-C-T. GRCh37 (hg19) VCF-style: chr6-32020525-C-T.
Other names: c.9031G>A, p.Gly3011Arg (NM_019105.8); short protein forms G3013R, G3011R.
Identifiers: ClinVar variation 1765543 (VCV001765543.5), dbSNP rs771698162, ClinGen allele CA3733673.

ClinVar aggregate classification (germline): Conflicting classifications of pathogenicity. Review status: criteria provided, conflicting classifications (1 of 4 stars). 2 submissions from 2 submitters: Uncertain significance (1); Likely benign (1). Last evaluated 2026-04-22.

Conditions:
Cardiovascular phenotype. Identifiers: MedGen CN230736.

Allele frequency attached by ClinVar (database versions not stated): ExAC 0.00003; TOPMed below 0.00001; gnomAD 0.00001; gnomAD exomes 0.00002.
gnomAD v4.1: 31 of 1,613,700 alleles (0.0019%); highest among the groups gnomAD compares: Middle Eastern, 0.016%; no homozygotes.

Submissions (2):

GeneDx
Classification: Uncertain significance. Last evaluated: 2026-04-22. Review status: criteria provided, single submitter. Criteria: GeneDx Variant Classification Process June 2021. Collection method: clinical testing. Allele origin: germline.
Comment: Not observed at significant frequency in large population cohorts (gnomAD); In silico analysis supports that this missense variant has a deleterious effect on protein structure/function; Has not been previously published as pathogenic or benign to our knowledge

Ambry Genetics
Classification: Likely benign for Cardiovascular phenotype. Last evaluated: 2024-12-12. Review status: criteria provided, single submitter. Criteria: Ambry Variant Classification Scheme 2023. Collection method: clinical testing. Allele origin: germline.